The following is an entry in ClinVar:

ClinVar aggregate classification (germline): Uncertain significance (1 of 4 stars; one submission).

Allele frequency attached by ClinVar (database versions not stated): gnomAD exomes 0.00001.
gnomAD v4.1: 2 of 1,385,390 alleles (0.00014%); highest among the groups gnomAD compares: Non-Finnish European, 0.00019%; no homozygotes.

Submission:

GeneDx
Classification: Uncertain significance. Last evaluated: 2022-06-28. Review status: criteria provided, single submitter. Criteria: GeneDx Variant Classification Process June 2021. Collection method: clinical testing. Allele origin: germline. Affected: yes.
Comment: Not observed at significant frequency in large population cohorts (gnomAD); In silico analysis supports that this missense variant does not alter protein structure/function; Has not been previously published as pathogenic or benign to our knowledge

NM_001127222.2(CACNA1A):c.6487T>G (p.Ser2163Ala)

Gene: CACNA1A (calcium voltage-gated channel subunit alpha1 A; minus strand). Cytogenetic location: 19p13.13.
Variant type: single nucleotide variant.
Coding change: c.6487T>G on transcript NM_001127222.2 (MANE Select); coding-DNA position 6487, T replaced by G.
Protein change: p.Ser2163Ala; replaces serine 2163 with alanine.
Molecular consequence: missense variant.
Genome position (GRCh38, 1-based): chr19:13,209,351, A>C on the plus strand (T>G on the coding strand, the complement: CACNA1A is on the minus strand). VCF-style: chr19-13209351-A-C. GRCh37 (hg19) VCF-style: chr19-13320165-A-C.
Other names: c.6505T>G, p.Ser2169Ala (NM_000068.4, NM_023035.3); c.6490T>G, p.Ser2164Ala (NM_001127221.2); c.6496T>G, p.Ser2166Ala (NM_001174080.2); short protein forms S2163A, S2164A, S2166A, S2169A.
Identifiers: ClinVar variation 1809923 (VCV001809923.1), dbSNP rs2512520132, ClinGen allele CA404330789.
Genomic context (GRCh38, chr19:13,209,351, plus strand): 5'-GAGCACCACAGGGCTGCCCACCTGTGTCCACATCGGTGTAGCGGCCCAGGGAGCGCTCAG[A>C]GGCGCGGTGGCTGCGGTCGCGGCGCCGCTGGTGGTGCCGCTGGTTCTCCTCGGGCGGGAC-3'
Protein context (NP_001120694.1, residues 2153-2173): QRRRDRSHRA[Ser2163Ala]ERSLGRYTDV